The following is an entry in ClinVar:

NM_138576.4(BCL11B):c.829T>G (p.Ser277Ala)

Gene: BCL11B (BCL11 transcription factor B; minus strand). Cytogenetic location: 14q32.2.
Variant type: single nucleotide variant.
Coding change: c.829T>G on transcript NM_138576.4 (MANE Select); coding-DNA position 829, T replaced by G.
Protein change: p.Ser277Ala; replaces serine 277 with alanine.
Molecular consequence: missense variant.
Genome position (GRCh38, 1-based): chr14:99,176,007, A>C on the plus strand (T>G on the coding strand, the complement: BCL11B is on the minus strand). VCF-style: chr14-99176007-A-C. GRCh37 (hg19) VCF-style: chr14-99642344-A-C.
Other names: c.826T>G, p.Ser276Ala (NM_001282237.2); c.613T>G, p.Ser205Ala (NM_001282238.2); c.616T>G, p.Ser206Ala (NM_022898.3); short protein forms S205A, S206A, S276A, S277A.
Identifiers: ClinVar variation 3893614 (VCV003893614.1).
Genomic context (GRCh38, chr14:99,176,007, plus strand): 5'-GGCCCGTCATGCGCAGCAGGTTGAAGGGGTTGCTGTCGCCCAGGAAATTCATGAGCGGGG[A>C]CTGCGCCACGGCCTCCGGCCCGAGCGGCGGCGGGATGGTGAGCCGCGGCGTGAGCGAGCT-3'
Protein context (NP_612808.1, residues 267-287): PPLGPEAVAQ[Ser277Ala]PLMNFLGDSN

ClinVar aggregate classification (germline): Uncertain significance (1 of 4 stars; one submission).

gnomAD v4.1: 3 of 1,546,098 alleles (0.00019%); highest among the groups gnomAD compares: Non-Finnish European, 0.00026%; no homozygotes.

Submission:

GeneDx
Classification: Uncertain significance. Last evaluated: 2024-10-25. Review status: criteria provided, single submitter. Criteria: GeneDx Variant Classification Process June 2021. Collection method: clinical testing. Allele origin: germline. Affected: yes.
Comment: Not observed at significant frequency in large population cohorts (gnomAD); In silico analysis indicates that this missense variant does not alter protein structure/function; Has not been previously published as pathogenic or benign to our knowledge